The following is an entry in ClinVar:

NM_012140.5(SLC25A10):c.*234G>T

Gene: SLC25A10 (solute carrier family 25 member 10; plus strand). Cytogenetic location: 17q25.3.
Variant type: single nucleotide variant.
Coding change: c.*234G>T on transcript NM_012140.5 (MANE Select); 234 bases downstream of the stop codon, G replaced by T.
Molecular consequence: 3 prime UTR variant. On other transcripts: missense variant (1).
Genome position (GRCh38, 1-based): chr17:81,720,311, G>T. VCF-style: chr17-81720311-G-T. GRCh37 (hg19) VCF-style: chr17-79687341-G-T.
Other names: c.*234G>T (NM_001270888.2); c.1015G>T, p.Ala339Ser (NM_001270953.2); short protein forms A339S.
Identifiers: ClinVar variation 4886017 (VCV004886017.2).

ClinVar aggregate classification (germline): Uncertain significance (1 of 4 stars; one submission).

gnomAD v4.1: 30 of 1,433,658 alleles (0.0021%); highest among the groups gnomAD compares: African/African-American, 0.037%; no homozygotes.

Submission:

Dasa
Classification: Uncertain significance. Last evaluated: 2025-06-28. Review status: criteria provided, single submitter. Criteria: DASA Assertion Criteria. Collection method: clinical testing. Allele origin: germline.
Comment: NM_001270953.2(SLC25A10):c.1015G>T (p.Ala339Ser) is a missense variant that results in the substitution of alanine with serine. This variant is rare in population databases. Computational prediction algorithms are consistent with a benign effect. The currently available literature and clinical evidence are not sufficient to establish a definitive association between this variant and the reported condition. Therefore, this variant is classified as a variant of uncertain significance.